The following is an entry in ClinVar:

ClinVar aggregate classification (germline): Conflicting classifications of pathogenicity. Review status: criteria provided, conflicting classifications (1 of 4 stars). 9 submissions from 9 submitters: Uncertain significance (1); Benign (1); Likely benign (7). Last evaluated 2025-08-24.

Conditions:
Breast and/or ovarian cancer. Identifiers: MedGen CN221562.
Hereditary cancer-predisposing syndrome. Also called: Hereditary Cancer Syndrome; Neoplastic Syndromes, Hereditary; Tumor predisposition; Hereditary neoplastic syndrome. Identifiers: Orphanet 140162, MedGen C0027672, MeSH D009386, MONDO:0015356.
Peutz-Jeghers syndrome (PJS). Also called: POLYPOSIS, HAMARTOMATOUS INTESTINAL; POLYPS-AND-SPOTS SYNDROME; Peutz-Jeghers polyposis; Periorificial lentiginosis syndrome. Identifiers: Orphanet 2869, MedGen C0031269, MeSH D010580, MONDO:0008280, OMIM 175200.

Allele frequency attached by ClinVar (database versions not stated): TOPMed 0.00002.
gnomAD v4.1: 1 of 1,613,640 alleles (0.000062%); highest among the groups gnomAD compares: East Asian, 0.0022%; no homozygotes.

Submissions (9):

Labcorp Genetics (formerly Invitae), Labcorp
Classification: Likely benign for Peutz-Jeghers syndrome. Last evaluated: 2025-08-24. Review status: criteria provided, single submitter. Criteria: Invitae Variant Classification Sherloc (09022015). Collection method: clinical testing. Allele origin: germline.

Myriad Genetics, Inc.
Classification: Benign for Peutz-Jeghers syndrome. Last evaluated: 2025-03-25. Review status: criteria provided, single submitter. Criteria: Myriad Autosomal Dominant, Autosomal Recessive and X-Linked Classification Criteria (2023). Collection method: clinical testing. Allele origin: unknown.
Comment: This variant is considered benign. This variant is a silent/synonymous amino acid change and it is not expected to impact splicing.

All of Us Research Program, National Institutes of Health
Classification: Likely benign for Peutz-Jeghers syndrome. Last evaluated: 2024-01-03. Review status: criteria provided, single submitter. Criteria: ACMG Guidelines, 2015. Collection method: clinical testing. Allele origin: germline. Inheritance: Autosomal dominant inheritance. Observed: 2 variant alleles, 2 heterozygotes.
Comment: This study involves interpretation of variants in research participants for the purpose of population health screening. Participant phenotype was not available at the time of variant classification. Additional details can be found in publication PMID: 35346344, PMCID: PMC8962531

Quest Diagnostics Nichols Institute San Juan Capistrano
Classification: Uncertain significance. Last evaluated: 2022-12-19. Review status: criteria provided, single submitter. Criteria: Quest Diagnostics criteria. Collection method: clinical testing. Allele origin: unknown.
Comment: To the best of our knowledge, the variant has not been reported in the published literature. The frequency of this variant in the general population, 0.000004 (1/249166 chromosomes), is uninformative in assessment of its pathogenicity. Analysis of this variant using software algorithms for the prediction of the effect of nucleotide changes on splicing yielded predictions that this variant does not affect STK11 mRNA splicing . Based on the available information, we are unable to determine the clinical significance of this variant.

CHEO Genetics Diagnostic Laboratory, Children's Hospital of Eastern Ontario
Classification: Likely benign for Breast and/or ovarian cancer. Last evaluated: 2022-10-06. Review status: criteria provided, single submitter. Criteria: ACMG Guidelines, 2015. Collection method: clinical testing. Allele origin: germline.

Women's Health and Genetics/Laboratory Corporation of America, LabCorp
Classification: Likely benign. Last evaluated: 2019-08-29. Review status: criteria provided, single submitter. Criteria: LabCorp Variant Classification Summary - May 2015. Collection method: clinical testing. Allele origin: germline.

GeneDx
Classification: Likely benign. Last evaluated: 2017-09-14. Review status: criteria provided, single submitter. Criteria: GeneDx Variant Classification (06012015). Collection method: clinical testing. Allele origin: germline. Affected: yes.
Comment: This variant is considered likely benign or benign based on one or more of the following criteria: it is a conservative change, it occurs at a poorly conserved position in the protein, it is predicted to be benign by multiple in silico algorithms, and/or has population frequency not consistent with disease.

Color Diagnostics, LLC DBA Color Health
Classification: Likely benign for Hereditary cancer-predisposing syndrome. Last evaluated: 2016-05-31. Review status: criteria provided, single submitter. Criteria: ACMG Guidelines, 2015. Collection method: clinical testing. Allele origin: germline.

Ambry Genetics
Classification: Likely benign for Hereditary cancer-predisposing syndrome. Last evaluated: 2015-07-24. Review status: criteria provided, single submitter. Criteria: Ambry Variant Classification Scheme 2023. Collection method: clinical testing. Allele origin: germline.

NM_000455.5(STK11):c.318G>T (p.Arg106=)

Gene: STK11 (serine/threonine kinase 11; plus strand). Cytogenetic location: 19p13.3.
Variant type: single nucleotide variant.
Coding change: c.318G>T on transcript NM_000455.5 (MANE Select); coding-DNA position 318, G replaced by T.
Protein change: p.Arg106=; no amino-acid change (arginine 106 retained).
Molecular consequence: synonymous variant.
Genome position (GRCh38, 1-based): chr19:1,218,444, G>T. VCF-style: chr19-1218444-G-T. GRCh37 (hg19) VCF-style: chr19-1218443-G-T.
Identifiers: ClinVar variation 233125 (VCV000233125.24), dbSNP rs777784520, ClinGen allele CA10581000.